The following is an entry in ClinVar:

NM_002874.5(RAD23B):c.392C>T (p.Ala131Val)

Gene: RAD23B (RAD23 nucleotide excision repair protein B; plus strand). Cytogenetic location: 9q31.2.
Variant type: single nucleotide variant.
Coding change: c.392C>T on transcript NM_002874.5 (MANE Select); coding-DNA position 392, C replaced by T.
Protein change: p.Ala131Val; replaces alanine 131 with valine.
Molecular consequence: missense variant.
Genome position (GRCh38, 1-based): chr9:107,306,542, C>T. VCF-style: chr9-107306542-C-T. GRCh37 (hg19) VCF-style: chr9-110068823-C-T.
Other names: c.329C>T, p.Ala110Val (NM_001244713.1); c.176C>T, p.Ala59Val (NM_001244724.2); short protein forms A110V, A59V, A131V.
Identifiers: ClinVar variation 4996821 (VCV004996821.1).

ClinVar aggregate classification (germline): Likely benign (1 of 4 stars; one submission).

Conditions:
RAD23B-related disorder. Also called: RAD23B-related condition.

gnomAD v4.1: 81 of 1,614,072 alleles (0.005%); highest among the groups gnomAD compares: East Asian, 0.13%; no homozygotes.

Submission:

PreventionGenetics, part of Exact Sciences
Classification: Likely benign for RAD23B-related condition. Last evaluated: 2025-01-03. Review status: criteria provided, single submitter. Criteria: ACMG Guidelines, 2015. Collection method: clinical testing. Allele origin: germline.
Comment: This variant is classified as likely benign based on ACMG/AMP sequence variant interpretation guidelines (Richards et al. 2015 PMID: 25741868, with internal and published modifications).